The following is an entry in ClinVar:

NM_025219.3(DNAJC5):c.*3995A>G

Gene: DNAJC5 (DnaJ heat shock protein family (Hsp40) member C5; plus strand). Cytogenetic location: 20q13.33.
Variant type: single nucleotide variant.
Coding change: c.*3995A>G on transcript NM_025219.3 (MANE Select); 3995 bases downstream of the stop codon, A replaced by G.
Molecular consequence: 3 prime UTR variant.
Genome position (GRCh38, 1-based): chr20:63,935,563, A>G. VCF-style: chr20-63935563-A-G. GRCh37 (hg19) VCF-style: chr20-62566916-A-G.
Identifiers: ClinVar variation 339434 (VCV000339434.6), dbSNP rs115323539, ClinGen allele CA10653421.

ClinVar aggregate classification (germline): Likely benign. Review status: criteria provided, multiple submitters, no conflicts (2 of 4 stars). 2 submissions from 2 submitters: Likely benign (2). Last evaluated 2021-09-27.

Conditions:
Ceroid lipofuscinosis, neuronal, 4 (Kufs type) (CLN4). Also called: Neuronal ceroid lipofuscinosis 4B; Ceroid lipofuscinosis, neuronal, 4, Parry type. Identifiers: Orphanet 228343, Orphanet 79262, MedGen C1834207, MONDO:0008083, OMIM 162350.

Allele frequency attached by ClinVar (database versions not stated): gnomAD 0.00324 and 0.00344; TOPMed 0.00369; 1000 Genomes Project 0.00619; 1000 Genomes Project 30x 0.00640.

Submissions (2):

GeneDx
Classification: Likely benign. Last evaluated: 2021-09-27. Review status: criteria provided, single submitter. Criteria: GeneDx Variant Classification Process June 2021. Collection method: clinical testing. Allele origin: germline. Affected: yes.

Illumina Laboratory Services, Illumina
Classification: Likely benign for Ceroid lipofuscinosis, neuronal, 4 (Kufs type). Last evaluated: 2017-04-27. Review status: criteria provided, single submitter. Criteria: ICSL Variant Classification Criteria 13 December 2019. Collection method: clinical testing. Allele origin: germline.
Comment: This variant was observed as part of a predisposition screen in an ostensibly healthy population. A literature search was performed for the gene, cDNA change, and amino acid change (where applicable). No publications were found based on this search. Allele frequency data from public databases allowed determination this variant is unlikely to cause disease. Therefore, this variant is classified as likely benign.